The following is an entry in ClinVar:

NM_000465.4(BARD1):c.769G>A (p.Glu257Lys)

Gene: BARD1 (BRCA1 associated RING domain 1; minus strand). Cytogenetic location: 2q35.
Variant type: single nucleotide variant.
Coding change: c.769G>A on transcript NM_000465.4 (MANE Select); coding-DNA position 769, G replaced by A.
Protein change: p.Glu257Lys; replaces glutamic acid 257 with lysine.
Molecular consequence: missense variant. On other transcripts: non-coding transcript variant (2), intron variant (3).
Genome position (GRCh38, 1-based): chr2:214,781,105, C>T on the plus strand (G>A on the coding strand, the complement: BARD1 is on the minus strand). VCF-style: chr2-214781105-C-T. GRCh37 (hg19) VCF-style: chr2-215645829-C-T.
Other names: c.712G>A, p.Glu238Lys (NM_001282543.2); c.158+28307G>A (NM_001282548.2); c.215+15956G>A (NM_001282545.2); c.364+11192G>A (NM_001282549.2); short protein forms E257K, E238K.
Identifiers: ClinVar variation 142723 (VCV000142723.21), dbSNP rs587782673, ClinGen allele CA169248.

ClinVar aggregate classification (germline): Uncertain significance. Review status: criteria provided, multiple submitters, no conflicts (2 of 4 stars). 6 submissions from 6 submitters: Uncertain significance (6). Last evaluated 2025-11-24.

Conditions:
Hereditary cancer-predisposing syndrome. Also called: Neoplastic Syndromes, Hereditary; Hereditary Cancer Syndrome; Tumor predisposition; Hereditary neoplastic syndrome. Identifiers: Orphanet 140162, MedGen C0027672, MeSH D009386, MONDO:0015356.
Familial cancer of breast. Also called: BREAST CANCER, FAMILIAL; Hereditary breast cancer; hereditary breast carcinoma. Identifiers: Orphanet 227535, MedGen C0346153, MONDO:0016419, OMIM 114480. Disease mechanism: loss of function.

Allele frequency attached by ClinVar (database versions not stated): gnomAD exomes below 0.00001; TOPMed 0.00001.

Submissions (6):

Dasa
Classification: Uncertain significance. Last evaluated: 2025-11-24. Review status: criteria provided, single submitter. Criteria: DASA Assertion Criteria. Collection method: clinical testing. Allele origin: germline.
Comment: NM_000465.4(BARD1):c.769G>A (p.Glu257Lys) is a missense variant that results in the substitution of glutamic acid with lysine. This variant is rare in population databases. The currently available literature and clinical evidence are not sufficient to establish a definitive association between this variant and the reported condition. Therefore, this variant is classified as a variant of uncertain significance.

Labcorp Genetics (formerly Invitae), Labcorp
Classification: Uncertain significance for Familial cancer of breast. Last evaluated: 2025-11-10. Review status: criteria provided, single submitter. Criteria: Invitae Variant Classification Sherloc (09022015). Collection method: clinical testing. Allele origin: germline.
Comment: This sequence change replaces glutamic acid, which is acidic and polar, with lysine, which is basic and polar, at codon 257 of the BARD1 protein (p.Glu257Lys). This variant is not present in population databases (gnomAD no frequency). This variant has not been reported in the literature in individuals affected with BARD1-related conditions. ClinVar contains an entry for this variant (Variation ID: 142723). An algorithm developed to predict the effect of missense changes on protein structure and function outputs the following: PolyPhen-2: "Benign". The lysine amino acid residue is found in multiple mammalian species, which suggests that this missense change does not adversely affect protein function. In summary, the available evidence is currently insufficient to determine the role of this variant in disease. Therefore, it has been classified as a Variant of Uncertain Significance.

Color Diagnostics, LLC DBA Color Health
Classification: Uncertain significance for Hereditary cancer-predisposing syndrome. Last evaluated: 2025-02-04. Review status: criteria provided, single submitter. Criteria: ACMG Guidelines, 2015. Collection method: clinical testing. Allele origin: germline.
Comment: This missense variant replaces glutamic acid with lysine at codon 257 of the BARD1 protein. Computational prediction suggests that this variant may not impact protein structure and function. To our knowledge, functional studies have not been reported for this variant. This variant has not been reported in individuals affected with BARD1-related disorders in the literature. This variant has not been identified in the general population by the Genome Aggregation Database (gnomAD). The available evidence is insufficient to determine the role of this variant in disease conclusively. Therefore, this variant is classified as a Variant of Uncertain Significance.

Ambry Genetics
Classification: Uncertain significance for Hereditary cancer-predisposing syndrome. Last evaluated: 2024-03-24. Review status: criteria provided, single submitter. Criteria: Ambry Variant Classification Scheme 2023. Collection method: clinical testing. Allele origin: germline.
Comment: The p.E257K variant (also known as c.769G>A), located in coding exon 4 of the BARD1 gene, results from a G to A substitution at nucleotide position 769. The glutamic acid at codon 257 is replaced by lysine, an amino acid with similar properties. This amino acid position is not well conserved in available vertebrate species. In addition, this alteration is predicted to be tolerated by in silico analysis. Since supporting evidence is limited at this time, the clinical significance of this alteration remains unclear.

GeneDx
Classification: Uncertain significance. Last evaluated: 2023-06-20. Review status: criteria provided, single submitter. Criteria: GeneDx Variant Classification Process June 2021. Collection method: clinical testing. Allele origin: germline. Affected: yes.
Comment: Not observed at significant frequency in large population cohorts (gnomAD); In silico analysis supports that this missense variant does not alter protein structure/function; Has not been previously published as pathogenic or benign to our knowledge

Mendelics
Classification: Uncertain significance for Familial cancer of breast. Last evaluated: 2018-07-02. Review status: criteria provided, single submitter. Criteria: Mendelics Assertion Criteria 2017. Collection method: clinical testing. Allele origin: unknown.